The following is an entry in ClinVar:

NM_001080453.3(INTS1):c.3699C>T (p.Asp1233=)

Gene: INTS1 (integrator complex subunit 1; minus strand). Cytogenetic location: 7p22.3.
Variant type: single nucleotide variant.
Coding change: c.3699C>T on transcript NM_001080453.3 (MANE Select); coding-DNA position 3699, C replaced by T.
Protein change: p.Asp1233=; no amino-acid change (aspartic acid 1233 retained).
Molecular consequence: synonymous variant.
Genome position (GRCh38, 1-based): chr7:1,482,550, G>A on the plus strand (C>T on the coding strand, the complement: INTS1 is on the minus strand). VCF-style: chr7-1482550-G-A. GRCh37 (hg19) VCF-style: chr7-1522186-G-A.
Other names: c.216C>T, p.Asp72= (NM_015674.1).
Identifiers: ClinVar variation 3043206 (VCV003043206.2), dbSNP rs200641108, ClinGen allele CA4119176.

ClinVar aggregate classification (germline): Likely benign (0 of 4 stars; one submission).

Conditions:
INTS1-related disorder. Also called: INTS1-related condition.

Submission:

PreventionGenetics, part of Exact Sciences
Classification: Likely benign for INTS1-related condition. Last evaluated: 2019-06-27. Review status: no assertion criteria provided. Collection method: clinical testing. Allele origin: germline.
Comment: This variant is classified as likely benign based on ACMG/AMP sequence variant interpretation guidelines (Richards et al. 2015 PMID: 25741868, with internal and published modifications).